The following is an entry in ClinVar:

NM_000543.5(SMPD1):c.580_587dup (p.Gly197fs)

Gene: SMPD1 (sphingomyelin phosphodiesterase 1; plus strand). Cytogenetic location: 11p15.4.
Variant type: Duplication.
Coding change: c.580_587dup on transcript NM_000543.5 (MANE Select); coding-DNA positions 580 to 587, 8 bases duplicated (CCAGCCCC; older notation c.580_587dupCCAGCCCC).
Protein change: p.Gly197fs; shifts the reading frame from glycine 197.
Molecular consequence: frameshift variant. On other transcripts: 5 prime UTR variant (1), non-coding transcript variant (1).
Genome position (GRCh38, 1-based): chr11:6,391,645-6,391,652, CCAGCCCC duplicated; duplicating any 8 consecutive bases within chr11:6,391,639-6,391,652 gives the same sequence; the c. name uses the placement nearest the transcript's 3' end. VCF-style (leftmost placement, unchanged base first): chr11-6391638-T-TAGCCCCCC. GRCh37 (hg19) VCF-style: chr11-6412868-T-TAGCCCCCC.
Other names: c.580_587dupCCAGCCCC (NM_000543.4); c.577_584dup, p.Gly196fs (NM_001007593.3); c.580_587dup, p.Gly197fs (NM_001318087.2, NM_001365135.2); c.-382_-375dup (NM_001318088.2); short protein forms G196fs, G197fs.
Identifiers: ClinVar variation 1459672 (VCV001459672.7), dbSNP rs2134010245, ClinGen allele CA2573147173.

ClinVar aggregate classification (germline): Pathogenic/Likely pathogenic. Review status: criteria provided, multiple submitters, no conflicts (2 of 4 stars). 2 submissions from 2 submitters: Pathogenic (1); Likely pathogenic (1). Last evaluated 2024-03-01.

Conditions:
Niemann-Pick disease, type B. Also called: Chronic Visceral ASMD (Niemann-Pick Disease Type B; NPD-B). Identifiers: Orphanet 77293, MedGen C0268243, MONDO:0011871, OMIM 607616. Disease mechanism: loss of function.
Niemann-Pick disease, type A. Also called: Infantile Neurovisceral ASMD (Niemann-Pick Disease Type A; NPD-A); SPHINGOMYELIN LIPIDOSIS; SPHINGOMYELINASE DEFICIENCY. Identifiers: Orphanet 77292, MedGen C0268242, MONDO:0009756, OMIM 257200. Disease mechanism: loss of function.

Submissions (2):

Natera, Inc.
Classification: Likely pathogenic for Niemann-Pick Disease, Types A/B. Last evaluated: 2024-03-01. Review status: criteria provided, single submitter. Criteria: Natera Variant Classification Schema (03/2026). Collection method: clinical testing. Allele origin: germline.
Comment: The c.580_587dupCCAGCCCC variant in SMPD1 is a frameshift variant predicted to shift the reading frame beginning at codon 197 and leads to a stop codon 63 codons downstream. This variant is expected to result in nonsense mediated decay, truncation, or a dysfunctional protein product. This variant is rare in the general population with a frequency below the threshold expected for the associated phenotype(s). Given the available evidence, this variant is classified as Likely Pathogenic.

Labcorp Genetics (formerly Invitae), Labcorp
Classification: Pathogenic for Niemann-Pick disease, type B; Niemann-Pick disease, type A. Last evaluated: 2021-06-10. Review status: criteria provided, single submitter. Criteria: Invitae Variant Classification Sherloc (09022015). Collection method: clinical testing. Allele origin: germline.
Comment: This sequence change creates a premature translational stop signal (p.Gly197Glnfs*63) in the SMPD1 gene. It is expected to result in an absent or disrupted protein product. Loss-of-function variants in SMPD1 are known to be pathogenic (PMID: 12369017, 15221801). This variant is not present in population databases (ExAC no frequency). This variant has not been reported in the literature in individuals with SMPD1-related conditions. For these reasons, this variant has been classified as Pathogenic.

Literature cited by the submitters: PubMed 12369017 (cited by Labcorp Genetics (formerly Invitae), Labcorp); PubMed 15221801 (cited by Labcorp Genetics (formerly Invitae), Labcorp).